The following is an entry in ClinVar:

NM_144670.6(A2ML1):c.230A>G (p.His77Arg)

Genes: A2ML1 (alpha-2-macroglobulin like 1; plus strand), A2ML1-AS1 (A2ML1 antisense RNA 1; minus strand). Cytogenetic location: 12p13.31.
Variant type: single nucleotide variant.
Coding change: c.230A>G on transcript NM_144670.6 (MANE Select); coding-DNA position 230, A replaced by G.
Protein change: p.His77Arg; replaces histidine 77 with arginine.
Molecular consequence: missense variant.
Genome position (GRCh38, 1-based): chr12:8,823,349, A>G. VCF-style: chr12-8823349-A-G. GRCh37 (hg19) VCF-style: chr12-8975945-A-G.
Other names: short protein forms H77R.
Identifiers: ClinVar variation 3687658 (VCV003687658.3).
Genomic context (GRCh38, chr12:8,823,349, plus strand): 5'-AGACCAAGGACAAGACCCAGAAGTTGCTAGAATACTCTGGACTGAAGAAGAGGCACTTAC[A>G]TTGTATCTCCTTTCTTGTAAGCACAGACTCAGCCCTCACTCGAATCCCTTACTTGCCTAT-3'
Protein context (NP_653271.3, residues 67-87): EYSGLKKRHL[His77Arg]CISFLVPPPA

ClinVar aggregate classification (germline): Uncertain significance. Review status: criteria provided, multiple submitters, no conflicts (2 of 4 stars). 2 submissions from 2 submitters: Uncertain significance (2). Last evaluated 2025-01-08.

gnomAD v4.1: 8 of 1,613,752 alleles (0.0005%); highest among the groups gnomAD compares: Non-Finnish European, 0.00051%; no homozygotes.

Submissions (2):

Labcorp Genetics (formerly Invitae), Labcorp
Classification: Uncertain significance. Last evaluated: 2025-01-08. Review status: criteria provided, single submitter. Criteria: Invitae Variant Classification Sherloc (09022015). Collection method: clinical testing. Allele origin: germline.
Comment: This sequence change replaces histidine, which is basic and polar, with arginine, which is basic and polar, at codon 77 of the A2ML1 protein (p.His77Arg). This variant is not present in population databases (gnomAD no frequency). This variant has not been reported in the literature in individuals affected with A2ML1-related conditions. An algorithm developed to predict the effect of missense changes on protein structure and function outputs the following: PolyPhen-2: "Benign". The arginine amino acid residue is found in multiple mammalian species, which suggests that this missense change does not adversely affect protein function. In summary, the available evidence is currently insufficient to determine the role of this variant in disease. Therefore, it has been classified as a Variant of Uncertain Significance.

Blueprint Genetics
Classification: Uncertain significance. Last evaluated: 2022-12-09. Review status: criteria provided, single submitter. Criteria: ACMG Guidelines, 2015. Collection method: clinical testing. Allele origin: germline.